The following is an entry in ClinVar:

NM_014946.4(SPAST):c.1494-1G>C

Gene: SPAST (spastin; plus strand). Cytogenetic location: 2p22.3.
Variant type: single nucleotide variant.
Coding change: c.1494-1G>C on transcript NM_014946.4 (MANE Select); the canonical splice acceptor site of the intron before coding-DNA position 1494, G replaced by C.
Molecular consequence: splice acceptor variant.
Genome position (GRCh38, 1-based): chr2:32,141,903, G>C. VCF-style: chr2-32141903-G-C. GRCh37 (hg19) VCF-style: chr2-32366972-G-C.
Other names: c.1398-1G>C (NM_199436.2, NM_001377959.1); c.1491-1G>C (NM_001363823.2); c.1395-1G>C (NM_001363875.2).
Identifiers: ClinVar variation 468567 (VCV000468567.8), dbSNP rs1315245986, ClinGen allele CA346502813.

ClinVar aggregate classification (germline): Pathogenic. Review status: criteria provided, multiple submitters, no conflicts (2 of 4 stars). 2 submissions from 2 submitters: Pathogenic (2). Last evaluated 2023-09-01.

Conditions:
Hereditary spastic paraplegia 4. Also called: Spastic paraplegia 4, autosomal dominant; Familial spastic paraplegia autosomal dominant 2; Spastic Paraplegia 4. Identifiers: Orphanet 100985, MedGen C1866855, MONDO:0008438, OMIM 182601.

Submissions (2):

Laboratorio de Genetica e Diagnostico Molecular, Hospital Israelita Albert Einstein
Classification: Pathogenic for Hereditary spastic paraplegia 4. Last evaluated: 2023-09-01. Review status: criteria provided, single submitter. Criteria: ACMG Guidelines, 2015. Collection method: clinical testing. Allele origin: germline. Affected: yes.
Comment: ACMG classification criteria: PVS1 very strong, PS3 supporting, PS4 moderate, PM2 moderate

Labcorp Genetics (formerly Invitae), Labcorp
Classification: Pathogenic for Hereditary spastic paraplegia 4. Last evaluated: 2022-11-15. Review status: criteria provided, single submitter. Criteria: Invitae Variant Classification Sherloc (09022015). Collection method: clinical testing. Allele origin: germline.
Comment: For these reasons, this variant has been classified as Pathogenic. Studies have shown that disruption of this splice site results in skipping of exon 13 and introduces a premature termination codon (PMID: 11309678). The resulting mRNA is expected to undergo nonsense-mediated decay. ClinVar contains an entry for this variant (Variation ID: 468567). Disruption of this splice site has been observed in individuals with autosomal dominant hereditary spastic paraplegia (PMID: 11309678, 20932283, 30476002; Invitae). This variant is not present in population databases (gnomAD no frequency). This sequence change affects an acceptor splice site in intron 12 of the SPAST gene. RNA analysis indicates that disruption of this splice site induces altered splicing and may result in an absent or disrupted protein product.

Literature cited by the submitters: PubMed 11309678 (cited by Labcorp Genetics (formerly Invitae), Labcorp); PubMed 20932283 (cited by Labcorp Genetics (formerly Invitae), Labcorp); PubMed 30476002 (cited by Labcorp Genetics (formerly Invitae), Labcorp).